The following is an entry in ClinVar:

ClinVar aggregate classification (germline): Uncertain significance (1 of 4 stars; one submission).

Submission:

Labcorp Genetics (formerly Invitae), Labcorp
Classification: Uncertain significance. Last evaluated: 2025-10-24. Review status: criteria provided, single submitter. Criteria: Invitae Variant Classification Sherloc (09022015). Collection method: clinical testing. Allele origin: germline.
Comment: This sequence change replaces alanine, which is neutral and non-polar, with threonine, which is neutral and polar, at codon 357 of the GRIA3 protein (p.Ala357Thr). This variant is not present in population databases (gnomAD no frequency). This variant has not been reported in the literature in individuals affected with GRIA3-related conditions. Invitae Evidence Modeling of protein sequence and biophysical properties (such as structural, functional, and spatial information, amino acid conservation, physicochemical variation, residue mobility, and thermodynamic stability) indicates that this missense variant is not expected to disrupt GRIA3 protein function with a negative predictive value of 80%. In summary, the available evidence is currently insufficient to determine the role of this variant in disease. Therefore, it has been classified as a Variant of Uncertain Significance.

NM_007325.5(GRIA3):c.1069G>A (p.Ala357Thr)

Gene: GRIA3 (glutamate ionotropic receptor AMPA type subunit 3; plus strand). Cytogenetic location: Xq25.
Variant type: single nucleotide variant.
Coding change: c.1069G>A on transcript NM_007325.5 (MANE Select); coding-DNA position 1069, G replaced by A.
Protein change: p.Ala357Thr; replaces alanine 357 with threonine.
Molecular consequence: missense variant.
Genome position (GRCh38, 1-based): chrX:123,398,792, G>A. VCF-style: chrX-123398792-G-A. GRCh37 (hg19) VCF-style: chrX-122532643-G-A.
Other names: c.1069G>A, p.Ala357Thr (NM_000828.5); short protein forms A357T.
Identifiers: ClinVar variation 4746390 (VCV004746390.1).
Genomic context (GRCh38, chrX:123,398,792, plus strand): 5'-GCTGGAGACTGCTTAGCAAATCCTGCTGTGCCCTGGAGTCAAGGAATTGATATTGAGAGA[G>A]CTCTGAAAATGGTAAAGACCACAATGGGTTATTGGGGTGGAAGAAACTTATAAAGACATA-3'
Protein context (NP_015564.5, residues 347-367): PWSQGIDIER[Ala357Thr]LKMVQVQGMT